The following is an entry in ClinVar:

NM_139285.4(GAS2L2):c.2130T>C (p.Ser710=)

Gene: GAS2L2 (growth arrest specific 2 like 2; minus strand). Cytogenetic location: 17q12.
Variant type: single nucleotide variant.
Coding change: c.2130T>C on transcript NM_139285.4 (MANE Select); coding-DNA position 2130, T replaced by C.
Protein change: p.Ser710=; no amino-acid change (serine 710 retained).
Molecular consequence: synonymous variant.
Genome position (GRCh38, 1-based): chr17:35,745,367, A>G on the plus strand (T>C on the coding strand, the complement: GAS2L2 is on the minus strand). VCF-style: chr17-35745367-A-G. GRCh37 (hg19) VCF-style: chr17-34072386-A-G.
Other names: c.2130T>C (NM_139285.3).
Identifiers: ClinVar variation 2647672 (VCV002647672.25), dbSNP rs78157254, ClinGen allele CA8505919.

ClinVar aggregate classification (germline): Likely benign. Review status: criteria provided, single submitter (1 of 4 stars). 2 submissions from 2 submitters: Likely benign (1). 1 of the submissions does not count toward it. Last evaluated 2026-06-01.

Conditions:
GAS2L2-related disorder. Also called: GAS2L2-related condition.

Allele frequency attached by ClinVar (database versions not stated): 1000 Genomes Project 30x 0.00422; 1000 Genomes Project 0.00439; gnomAD 0.00600; ExAC 0.00601; TOPMed 0.00655; ESP Exome Variant Server 0.00677; gnomAD exomes 0.00873.
gnomAD v4.1: 13,501 of 1,596,280 alleles (0.85%); highest among the groups gnomAD compares: Middle Eastern, 1.7%; 67 homozygotes.

Submissions (2):

CeGaT Center for Human Genetics Tuebingen
Classification: Likely benign. Last evaluated: 2026-06-01. Review status: criteria provided, single submitter. Criteria: CeGaT Center For Human Genetics Tuebingen Variant Classification Criteria Version 2. Collection method: clinical testing. Allele origin: germline. Affected: yes. Observed: 9 variant alleles.
Comment: GAS2L2: BP4, BP7, BS2

PreventionGenetics, part of Exact Sciences
Classification: Benign for GAS2L2-related condition. Last evaluated: 2019-11-01. Review status: no assertion criteria provided. Collection method: clinical testing. Allele origin: germline. Not counted in ClinVar's aggregate classification.
Comment: This variant is classified as benign based on ACMG/AMP sequence variant interpretation guidelines (Richards et al. 2015 PMID: 25741868, with internal and published modifications).